The following is an entry in ClinVar:

ClinVar aggregate classification (germline): Uncertain significance (1 of 4 stars; one submission).

Conditions:
PLXNA3-related disorder. Also called: PLXNA3-related condition.

gnomAD v4.1: 3 of 1,208,434 alleles (0.00025%); highest among the groups gnomAD compares: Non-Finnish European, 0.00022%; no homozygotes.

Submission:

PreventionGenetics, part of Exact Sciences
Classification: Uncertain significance for PLXNA3-related condition. Last evaluated: 2026-07-30. Review status: criteria provided, single submitter. Criteria: ACMG Guidelines, 2015. Collection method: clinical testing. Allele origin: germline.
Comment: The PLXNA3 c.3683G>T variant is predicted to result in the amino acid substitution p.Gly1228Val. To our knowledge, this variant has not been reported in the literature or in a large population database (gnomAD), indicating this variant is rare. At this time, the clinical significance of this variant is uncertain due to the absence of conclusive functional and genetic evidence.

NM_017514.5(PLXNA3):c.3683G>T (p.Gly1228Val)

Gene: PLXNA3 (plexin A3; plus strand). Cytogenetic location: Xq28.
Variant type: single nucleotide variant.
Coding change: c.3683G>T on transcript NM_017514.5 (MANE Select); coding-DNA position 3683, G replaced by T.
Protein change: p.Gly1228Val; replaces glycine 1228 with valine.
Molecular consequence: missense variant.
Genome position (GRCh38, 1-based): chrX:154,467,864, G>T. VCF-style: chrX-154467864-G-T. GRCh37 (hg19) VCF-style: chrX-153696207-G-T.
Other names: short protein forms G1228V.
Identifiers: ClinVar variation 4989190 (VCV004989190.1).